The following is an entry in ClinVar:

NM_001378454.1(ALMS1):c.7140A>G (p.Gln2380=)

Gene: ALMS1 (ALMS1 centrosome and basal body associated protein; plus strand). Cytogenetic location: 2p13.1.
Variant type: single nucleotide variant.
Coding change: c.7140A>G on transcript NM_001378454.1 (MANE Select); coding-DNA position 7140, A replaced by G.
Protein change: p.Gln2380=; no amino-acid change (glutamine 2380 retained).
Molecular consequence: synonymous variant.
Genome position (GRCh38, 1-based): chr2:73,453,667, A>G. VCF-style: chr2-73453667-A-G. GRCh37 (hg19) VCF-style: chr2-73680794-A-G.
Other names: c.7143A>G, p.Gln2381= (NM_015120.4).
Identifiers: ClinVar variation 1098833 (VCV001098833.40), dbSNP rs375593700, ClinGen allele CA1714187.

ClinVar aggregate classification (germline): Likely benign. Review status: criteria provided, multiple submitters, no conflicts (2 of 4 stars). 8 submissions from 8 submitters: Likely benign (6). 2 of the submissions do not count toward it. Last evaluated 2026-01-21.

Conditions:
Cardiovascular phenotype. Identifiers: MedGen CN230736.
Alstrom syndrome (ALMS). Identifiers: Orphanet 64, MedGen C0268425, MONDO:0008763, OMIM 203800.

Allele frequency attached by ClinVar (database versions not stated): TOPMed 0.00006; gnomAD 0.00007 and 0.00008; gnomAD exomes 0.00010 and 0.00011; ExAC 0.00014; ESP Exome Variant Server 0.00017.
gnomAD v4.1: 176 of 1,614,030 alleles (0.011%); highest among the groups gnomAD compares: Non-Finnish European, 0.014%; no homozygotes.

Submissions (8):

Labcorp Genetics (formerly Invitae), Labcorp
Classification: Likely benign for Alstrom syndrome. Last evaluated: 2026-01-21. Review status: criteria provided, single submitter. Criteria: Invitae Variant Classification Sherloc (09022015). Collection method: clinical testing. Allele origin: germline.

Blueprint Genetics
Classification: Likely benign. Last evaluated: 2023-12-29. Review status: criteria provided, single submitter. Criteria: ACMG Guidelines, 2015. Collection method: clinical testing. Allele origin: germline.

CeGaT Center for Human Genetics Tuebingen
Classification: Likely benign. Last evaluated: 2022-03-01. Review status: criteria provided, single submitter. Criteria: CeGaT Center For Human Genetics Tuebingen Variant Classification Criteria Version 2. Collection method: clinical testing. Allele origin: germline. Affected: yes. Observed: 1 variant allele.
Comment: ALMS1: BP4, BP7

Women's Health and Genetics/Laboratory Corporation of America, LabCorp
Classification: Likely benign. Last evaluated: 2021-05-16. Review status: criteria provided, single submitter. Criteria: LabCorp Variant Classification Summary - May 2015. Collection method: clinical testing. Allele origin: germline.

Ambry Genetics
Classification: Likely benign for Cardiovascular phenotype. Last evaluated: 2021-02-17. Review status: criteria provided, single submitter. Criteria: Ambry Variant Classification Scheme 2023. Collection method: clinical testing. Allele origin: germline.

GeneDx
Classification: Likely benign. Last evaluated: 2020-09-25. Review status: criteria provided, single submitter. Criteria: GeneDx Variant Classification Process June 2021. Collection method: clinical testing. Allele origin: germline. Affected: yes.

Clinical Genetics DNA and cytogenetics Diagnostics Lab, Erasmus MC, Erasmus Medical Center
Classification: Likely benign. Review status: no assertion criteria provided. Collection method: clinical testing. Allele origin: germline. Affected: yes. Study: VKGL Data-share Consensus. Not counted in ClinVar's aggregate classification.

Clinical Genetics, Academic Medical Center
Classification: Benign. Review status: no assertion criteria provided. Collection method: clinical testing. Allele origin: germline. Affected: yes. Study: VKGL Data-share Consensus. Not counted in ClinVar's aggregate classification.